The following is an entry in ClinVar:

NM_000236.3(LIPC):c.674G>A (p.Arg225Gln)

Gene: LIPC (lipase C, hepatic type; plus strand). Cytogenetic location: 15q21.3.
Variant type: single nucleotide variant.
Coding change: c.674G>A on transcript NM_000236.3 (MANE Select); coding-DNA position 674, G replaced by A.
Protein change: p.Arg225Gln; replaces arginine 225 with glutamine.
Molecular consequence: missense variant.
Genome position (GRCh38, 1-based): chr15:58,545,841, G>A. VCF-style: chr15-58545841-G-A. GRCh37 (hg19) VCF-style: chr15-58838040-G-A.
Other names: c.674G>A (NM_000236.2); short protein forms R225Q.
Identifiers: ClinVar variation 1678437 (VCV001678437.3), dbSNP rs575306493, ClinGen allele CA7584956.
Genomic context (GRCh38, chr15:58,545,841, plus strand): 5'-CCAGCAATCGTCTTTCTCCAGATGATGCCAATTTTGTGGATGCCATTCATACCTTTACCC[G>A]GGAGCACATGGGCCTGAGCGTGGGCATCAAACAGCCCATAGGACACTATGACTTCTATCC-3'
Protein context (NP_000227.2, residues 215-235): NFVDAIHTFT[Arg225Gln]EHMGLSVGIK

ClinVar aggregate classification (germline): Uncertain significance. Review status: criteria provided, multiple submitters, no conflicts (2 of 4 stars). 3 submissions from 3 submitters: Uncertain significance (3). Last evaluated 2024-03-19.

Conditions:
Hyperlipidemia due to hepatic triglyceride lipase deficiency. Also called: LIPC DEFICIENCY. Identifiers: Orphanet 140905, MedGen C3151466, MONDO:0013533, OMIM 614025.
High density lipoprotein cholesterol level quantitative trait locus 12 (HDLCQ12). Identifiers: MedGen C2675071, OMIM 612797.
Type 2 diabetes mellitus. Also called: Type II diabetes mellitus. Identifiers: MedGen C0011860, MeSH D003924, MONDO:0005148, OMIM 125853, HP:0005978.

Allele frequency attached by ClinVar (database versions not stated): gnomAD exomes 0.00003 and 0.00010; gnomAD 0.00005 and 0.00009; TOPMed 0.00008; ExAC 0.00015; 1000 Genomes Project 30x 0.00078; 1000 Genomes Project 0.00080.
gnomAD v4.1: 63 of 1,614,126 alleles (0.0039%); highest among the groups gnomAD compares: East Asian, 0.049%; no homozygotes.

Submissions (3):

Ambry Genetics
Classification: Uncertain significance. Last evaluated: 2024-03-19. Review status: criteria provided, single submitter. Criteria: Ambry Variant Classification Scheme 2023. Collection method: clinical testing. Allele origin: germline.

New York Genome Center
Classification: Uncertain significance for Hyperlipidemia due to hepatic triglyceride lipase deficiency; Type 2 diabetes mellitus; High density lipoprotein cholesterol level quantitative trait locus 12. Last evaluated: 2023-01-26. Review status: criteria provided, single submitter. Criteria: NYGC Assertion Criteria 2020. Collection method: clinical testing. Allele origin: germline. Observed: 1 heterozygote.
Comment: The c.674G>A variant in LIPC has not previously been reported in individuals with Hepatic lipase deficiency or non-insulin dependent diabetes mellitus; it has been deposited in ClinVar [ClinVar ID: 1678437] as variant of uncertain significance. The c.674G>A variant is observed in 57 alleles (~0.01% minor allele frequency with 0 homozygotes) in population databases (gnomAD v2.1.1 and v3.1.2, TOPMed Freeze 8), suggesting it is not a common benign variant in the populations represented in those databases. The c.674G>A variant in LIPC is located in exon 5 of this 9-exon gene, and is predicted to replace an evolutionarily not-highly-conserved arginine amino acid with glutamine at position 225 (p.(Arg225Gln)) in a nonspecific region of the encoded protein. In silico predictions are not in favor of damaging effect for the p.(Arg225Gln) variant [CADD v1.6 = 11.39, REVEL = 0.157]; however, there are no functional studies to support or refute these predictions. Based on available evidence this c.674G>A p.(Arg225Gln) variant identified in LIPC is classified as a Variant of Uncertain Significance.

AiLife Diagnostics
Classification: Uncertain significance. Last evaluated: 2021-06-04. Review status: criteria provided, single submitter. Criteria: ACMG Guidelines, 2015. Collection method: clinical testing. Allele origin: germline. Affected: yes. Observed: 1 variant allele.